The following is an entry in ClinVar:

ClinVar aggregate classification (germline): Likely benign (0 of 4 stars; one submission).

Conditions:
Treacher Collins syndrome 1 (TCS1). Also called: TCOF1-Related Treacher Collins Syndrome. Identifiers: Orphanet 861, MedGen CN315775, MONDO:0007944, OMIM 154500.

Allele frequency attached by ClinVar (database versions not stated): gnomAD exomes below 0.00001 and 0.00002; gnomAD 0.00002; TOPMed 0.00002.
gnomAD v4.1: 34 of 1,614,062 alleles (0.0021%); highest among the groups gnomAD compares: African/African-American, 0.004%; no homozygotes.

Submission:

Genetics Laboratories, Oxford Radcliffe Hospitals NHS Trust
Classification: Likely benign for Treacher collins syndrome 1. Review status: no assertion criteria provided. Collection method: not provided. Allele origin: somatic.

NM_001371623.1(TCOF1):c.1953T>C (p.Thr651=)

Gene: TCOF1 (treacle ribosome biogenesis factor 1; plus strand). Cytogenetic location: 5q32.
Variant type: single nucleotide variant.
Coding change: c.1953T>C on transcript NM_001371623.1 (MANE Select); coding-DNA position 1953, T replaced by C.
Protein change: p.Thr651=; no amino-acid change (threonine 651 retained).
Molecular consequence: synonymous variant.
Genome position (GRCh38, 1-based): chr5:150,376,141, T>C. VCF-style: chr5-150376141-T-C. GRCh37 (hg19) VCF-style: chr5-149755704-T-C.
Other names: c.1722T>C, p.Thr574= (NM_000356.4, NM_001135245.2); c.1953T>C, p.Thr651= (NM_001008657.3, NM_001135243.2, NM_001135244.2 and 1 more transcripts).
Identifiers: ClinVar variation 209029 (VCV000209029.1), dbSNP rs151344571, ClinGen allele CA276094.